The following is an entry in ClinVar:

ClinVar aggregate classification (germline): Uncertain significance. Review status: criteria provided, multiple submitters, no conflicts (2 of 4 stars). 3 submissions from 3 submitters: Uncertain significance (3). Last evaluated 2025-03-04.

Conditions:
Hereditary cancer-predisposing syndrome. Also called: Hereditary neoplastic syndrome; Tumor predisposition; Neoplastic Syndromes, Hereditary; Hereditary Cancer Syndrome. Identifiers: Orphanet 140162, MedGen C0027672, MeSH D009386, MONDO:0015356.
Familial adenomatous polyposis 1 (FAP1). Also called: FAMILIAL ADENOMATOUS POLYPOSIS 1, ATTENUATED; POLYPOSIS, ADENOMATOUS INTESTINAL. Identifiers: MedGen C2713442, MONDO:0021056, OMIM 175100. Disease mechanism: loss of function.

Submissions (3):

Center for Genomic Medicine, Rigshospitalet, Copenhagen University Hospital
Classification: Uncertain significance. Last evaluated: 2025-03-04. Review status: criteria provided, single submitter. Criteria: ACMG Guidelines, 2015. Collection method: clinical testing. Allele origin: germline.

Labcorp Genetics (formerly Invitae), Labcorp
Classification: Uncertain significance for Familial adenomatous polyposis 1. Last evaluated: 2022-10-03. Review status: criteria provided, single submitter. Criteria: Invitae Variant Classification Sherloc (09022015). Collection method: clinical testing. Allele origin: germline.
Comment: In summary, the available evidence is currently insufficient to determine the role of this variant in disease. Therefore, it has been classified as a Variant of Uncertain Significance. Advanced modeling of protein sequence and biophysical properties (such as structural, functional, and spatial information, amino acid conservation, physicochemical variation, residue mobility, and thermodynamic stability) performed at Invitae indicates that this missense variant is not expected to disrupt APC protein function. ClinVar contains an entry for this variant (Variation ID: 1347679). This variant has not been reported in the literature in individuals affected with APC-related conditions. This variant is not present in population databases (gnomAD no frequency). This sequence change replaces glycine, which is neutral and non-polar, with valine, which is neutral and non-polar, at codon 2633 of the APC protein (p.Gly2633Val).

Ambry Genetics
Classification: Uncertain significance for Hereditary cancer-predisposing syndrome. Last evaluated: 2022-01-15. Review status: criteria provided, single submitter. Criteria: Ambry Variant Classification Scheme 2023. Collection method: clinical testing. Allele origin: germline.
Comment: The p.G2633V variant (also known as c.7898G>T), located in coding exon 15 of the APC gene, results from a G to T substitution at nucleotide position 7898. The glycine at codon 2633 is replaced by valine, an amino acid with dissimilar properties. This amino acid position is conserved. In addition, in silico predictors for this gene do not accurately predict pathogenicity. Since supporting evidence is limited at this time, the clinical significance of this alteration remains unclear.

NM_000038.6(APC):c.7898G>T (p.Gly2633Val)

Gene: APC (APC regulator of Wnt signaling pathway; plus strand). Cytogenetic location: 5q22.2.
Variant type: single nucleotide variant.
Coding change: c.7898G>T on transcript NM_000038.6 (MANE Select); coding-DNA position 7898, G replaced by T.
Protein change: p.Gly2633Val; replaces glycine 2633 with valine.
Molecular consequence: missense variant.
Genome position (GRCh38, 1-based): chr5:112,843,492, G>T. VCF-style: chr5-112843492-G-T. GRCh37 (hg19) VCF-style: chr5-112179189-G-T.
Other names: c.7418G>T, p.Gly2473Val (NM_001354905.2); c.7049G>T, p.Gly2350Val (NM_001354906.2); c.7898G>T, p.Gly2633Val (NM_001127510.3, NM_001354895.2); c.7844G>T, p.Gly2615Val (NM_001127511.3); c.7952G>T, p.Gly2651Val (NM_001354896.2); c.7814G>T, p.Gly2605Val (NM_001354899.2); c.7775G>T, p.Gly2592Val (NM_001354900.2); c.7721G>T, p.Gly2574Val (NM_001354901.2); and 5 more; short protein forms G2473V, G2532V, G2633V, G2350V, G2574V, G2608V, G2615V, G2651V.
Identifiers: ClinVar variation 1347679 (VCV001347679.15), dbSNP rs1766594323, ClinGen allele CA16038488.